The following is an entry in ClinVar:

NM_001009944.3(PKD1):c.8162-82C>T

Gene: PKD1 (polycystin 1, transient receptor potential channel interacting; minus strand). Cytogenetic location: 16p13.3.
Variant type: single nucleotide variant.
Coding change: c.8162-82C>T on transcript NM_001009944.3 (MANE Select); 82 bases into the intron before coding-DNA position 8162, C replaced by T.
Molecular consequence: intron variant.
Genome position (GRCh38, 1-based): chr16:2,103,977, G>A on the plus strand (C>T on the coding strand, the complement: PKD1 is on the minus strand). VCF-style: chr16-2103977-G-A. GRCh37 (hg19) VCF-style: chr16-2153978-G-A.
Other names: c.8162-82C>T (NM_000296.4).
Identifiers: ClinVar variation 4983388 (VCV004983388.1).
Genomic context (GRCh38, chr16:2,103,977, plus strand): 5'-GTGCAGAGACAGGGAGGTAGAGGGAGGGTGGGGGCAGGCAAAAAGGGGGAGCCGGAGGGT[G>A]GGGGCTGGGAGAAAGGGGGAACCTGAGGGGGCAGAGAGCGAGGTGCAGGCAGAAGGAAGG-3'

ClinVar aggregate classification (germline): Likely benign (1 of 4 stars; one submission).

Conditions:
PKD1-related disorder. Also called: PKD1-related condition.

Submission:

PreventionGenetics, part of Exact Sciences
Classification: Likely benign for PKD1-related condition. Last evaluated: 2026-01-15. Review status: criteria provided, single submitter. Criteria: ACMG Guidelines, 2015. Collection method: clinical testing. Allele origin: germline.
Comment: This variant is classified as likely benign based on ACMG/AMP sequence variant interpretation guidelines (Richards et al. 2015 PMID: 25741868, with internal and published modifications).